The following is an entry in ClinVar:

ClinVar aggregate classification (germline): Benign. Review status: criteria provided, multiple submitters, no conflicts (2 of 4 stars). 3 submissions from 3 submitters: Benign (3). Last evaluated 2026-02-01.

Allele frequency attached by ClinVar (database versions not stated): TOPMed 0.00334; 1000 Genomes Project 0.00339; 1000 Genomes Project 30x 0.00375; gnomAD 0.00382 and 0.00441; ESP Exome Variant Server 0.00408; gnomAD exomes 0.00513 and 0.00685; ExAC 0.00811.

Submissions (3):

Labcorp Genetics (formerly Invitae), Labcorp
Classification: Benign. Last evaluated: 2026-02-01. Review status: criteria provided, single submitter. Criteria: Invitae Variant Classification Sherloc (09022015). Collection method: clinical testing. Allele origin: germline.

Mayo Clinic Laboratories, Mayo Clinic
Classification: Benign. Last evaluated: 2024-08-20. Review status: criteria provided, single submitter. Criteria: ACMG Guidelines, 2015. Collection method: clinical testing. Allele origin: germline. Observed: 6 variant alleles.
Comment: BS1, BS2, BP4, BP7

Breakthrough Genomics
Classification: Benign. Review status: criteria provided, single submitter. Criteria: ACMG Guidelines, 2015. Collection method: not provided. Allele origin: germline. Inheritance: Unknown mechanism. Affected: yes.

NM_182493.3(MYLK3):c.732A>T (p.Thr244=)

Gene: MYLK3 (myosin light chain kinase 3; minus strand). Cytogenetic location: 16q11.2.
Variant type: single nucleotide variant.
Coding change: c.732A>T on transcript NM_182493.3 (MANE Select); coding-DNA position 732, A replaced by T.
Protein change: p.Thr244=; no amino-acid change (threonine 244 retained).
Molecular consequence: synonymous variant. On other transcripts: intron variant (1).
Genome position (GRCh38, 1-based): chr16:46,737,980, T>A on the plus strand (A>T on the coding strand, the complement: MYLK3 is on the minus strand). VCF-style: chr16-46737980-T-A. GRCh37 (hg19) VCF-style: chr16-46771892-T-A.
Other names: p.Thr244=; c.-23+2077A>T (NM_001308301.1).
Identifiers: ClinVar variation 775374 (VCV000775374.11), dbSNP rs56084385, ClinGen allele CA8038152.